The following is an entry in ClinVar:

NM_003748.4(ALDH4A1):c.208G>A (p.Asp70Asn)

Gene: ALDH4A1 (aldehyde dehydrogenase 4 family member A1; minus strand). Cytogenetic location: 1p36.13.
Variant type: single nucleotide variant.
Coding change: c.208G>A on transcript NM_003748.4 (MANE Select); coding-DNA position 208, G replaced by A.
Protein change: p.Asp70Asn; replaces aspartic acid 70 with asparagine.
Molecular consequence: missense variant.
Genome position (GRCh38, 1-based): chr1:18,889,403, C>T on the plus strand (G>A on the coding strand, the complement: ALDH4A1 is on the minus strand). VCF-style: chr1-18889403-C-T. GRCh37 (hg19) VCF-style: chr1-19215897-C-T.
Other names: c.28G>A, p.Asp10Asn (NM_001161504.2); c.208G>A, p.Asp70Asn (NM_001319218.2, NM_170726.3); c.208G>A (NM_003748.3); short protein forms D70N, D10N.
Identifiers: ClinVar variation 1504729 (VCV001504729.9), dbSNP rs1319600530, ClinGen allele CA338764580.
Genomic context (GRCh38, chr1:18,889,403, plus strand): 5'-GCCCACCCGCTGGACATACCGACACTTGGTACTGCACGTCCGACGTCCACACCTCCTCAT[C>T]CCCCACCACGCATGGGATGGCTTCCATCCGGCCCTTCAGGTCCTTCAAGGCCTGGGGAGA-3'
Protein context (NP_003739.2, residues 60-80): RMEAIPCVVG[Asp70Asn]EEVWTSDVQY

ClinVar aggregate classification (germline): Uncertain significance. Review status: criteria provided, multiple submitters, no conflicts (2 of 4 stars). 3 submissions from 3 submitters: Uncertain significance (3). Last evaluated 2025-03-04.

Conditions:
Hyperprolinemia type 2 (HYRPRO2). Also called: Delta-1-pyrroline-5-carboxylate dehydrogenase deficiency; 1-PYRROLINE-5-CARBOXYLATE DEHYDROGENASE DEFICIENCY; Deficiency of pyrroline-5-carboxylate reductase. Identifiers: Orphanet 79101, MedGen C2931835, MONDO:0009401, OMIM 239510.

Allele frequency attached by ClinVar (database versions not stated): gnomAD 0.00001 and 0.00002; gnomAD exomes 0.00002 and 0.00003; TOPMed 0.00002.
gnomAD v4.1: 29 of 1,552,800 alleles (0.0019%); highest among the groups gnomAD compares: Admixed American, 0.012%; no homozygotes.

Submissions (3):

Revvity Omics, Revvity
Classification: Uncertain significance for Hyperprolinemia type 2. Last evaluated: 2025-03-04. Review status: criteria provided, single submitter. Criteria: ACMG Guidelines, 2015. Collection method: clinical testing. Allele origin: germline.

Ambry Genetics
Classification: Uncertain significance. Last evaluated: 2022-10-03. Review status: criteria provided, single submitter. Criteria: Ambry Variant Classification Scheme 2023. Collection method: clinical testing. Allele origin: germline.

Labcorp Genetics (formerly Invitae), Labcorp
Classification: Uncertain significance for Hyperprolinemia type 2. Last evaluated: 2021-09-24. Review status: criteria provided, single submitter. Criteria: Invitae Variant Classification Sherloc (09022015). Collection method: clinical testing. Allele origin: germline.
Comment: This sequence change replaces aspartic acid with asparagine at codon 70 of the ALDH4A1 protein (p.Asp70Asn). The aspartic acid residue is moderately conserved and there is a small physicochemical difference between aspartic acid and asparagine. This variant is not present in population databases (ExAC no frequency). This variant has not been reported in the literature in individuals with ALDH4A1-related conditions. Algorithms developed to predict the effect of missense changes on protein structure and function (SIFT, PolyPhen-2, Align-GVGD) all suggest that this variant is likely to be tolerated, but these predictions have not been confirmed by published functional studies and their clinical significance is uncertain. In summary, the available evidence is currently insufficient to determine the role of this variant in disease. Therefore, it has been classified as a Variant of Uncertain Significance.